The following is an entry in ClinVar:

NM_001384900.1(SEMA3D):c.1373T>C (p.Ile458Thr)

Gene: SEMA3D (semaphorin 3D; minus strand). Cytogenetic location: 7q21.11.
Variant type: single nucleotide variant.
Coding change: c.1373T>C on transcript NM_001384900.1 (MANE Select); coding-DNA position 1373, T replaced by C.
Protein change: p.Ile458Thr; replaces isoleucine 458 with threonine.
Molecular consequence: missense variant.
Genome position (GRCh38, 1-based): chr7:85,022,432, A>G on the plus strand (T>C on the coding strand, the complement: SEMA3D is on the minus strand). VCF-style: chr7-85022432-A-G. GRCh37 (hg19) VCF-style: chr7-84651748-A-G.
Other names: c.1373T>C, p.Ile458Thr (NM_001384901.1, NM_001384902.1, NM_001384903.1 and 1 more transcripts); short protein forms I458T.
Identifiers: ClinVar variation 4992421 (VCV004992421.1).

ClinVar aggregate classification (germline): Uncertain significance (1 of 4 stars; one submission).

Conditions:
SEMA3D-related disorder. Also called: SEMA3D-related condition.

Submission:

PreventionGenetics, part of Exact Sciences
Classification: Uncertain significance for SEMA3D-related condition. Last evaluated: 2026-04-06. Review status: criteria provided, single submitter. Criteria: ACMG Guidelines, 2015. Collection method: clinical testing. Allele origin: germline.
Comment: The SEMA3D c.1373T>C variant is predicted to result in the amino acid substitution p.Ile458Thr. To our knowledge, this variant has not been reported in the literature or in a large population database (gnomAD), indicating this variant is rare. At this time, the clinical significance of this variant is uncertain due to the absence of conclusive functional and genetic evidence.